The following is an entry in ClinVar:

NM_002821.5(PTK7):c.79+335G>A

Gene: PTK7 (protein tyrosine kinase 7 (inactive); plus strand). Cytogenetic location: 6p21.1.
Variant type: single nucleotide variant.
Coding change: c.79+335G>A on transcript NM_002821.5 (MANE Select); 335 bases into the intron after coding-DNA position 79, G replaced by A.
Molecular consequence: intron variant. On other transcripts: missense variant (1).
Genome position (GRCh38, 1-based): chr6:43,076,902, G>A. VCF-style: chr6-43076902-G-A. GRCh37 (hg19) VCF-style: chr6-43044640-G-A.
Other names: c.19G>A, p.Gly7Arg (NM_001270398.2); c.79+335G>A (NM_152882.4, NM_152880.4, NM_152881.4); c.19G>A (NM_001270398.1); short protein forms G7R.
Identifiers: ClinVar variation 2656576 (VCV002656576.25), dbSNP rs139636574, ClinGen allele CA3815619.

ClinVar aggregate classification (germline): Benign. Review status: criteria provided, single submitter (1 of 4 stars). 2 submissions from 2 submitters: Benign (1). 1 of the submissions does not count toward it. Last evaluated 2022-08-01.

Conditions:
PTK7-related disorder. Also called: PTK7-related condition.

Allele frequency attached by ClinVar (database versions not stated): ExAC 0.00362; 1000 Genomes Project 0.00619; 1000 Genomes Project 30x 0.00671; TOPMed 0.00860; gnomAD 0.00892.
gnomAD v4.1: 15,194 of 1,511,964 alleles (1%); highest among the groups gnomAD compares: Non-Finnish European, 1.2%; 89 homozygotes.

Submissions (2):

CeGaT Center for Human Genetics Tuebingen
Classification: Benign. Last evaluated: 2022-08-01. Review status: criteria provided, single submitter. Criteria: CeGaT Center For Human Genetics Tuebingen Variant Classification Criteria Version 2. Collection method: clinical testing. Allele origin: germline. Affected: yes. Observed: 1 variant allele.
Comment: PTK7: BP4, BS1, BS2

PreventionGenetics, part of Exact Sciences
Classification: Benign for PTK7-related condition. Last evaluated: 2019-05-21. Review status: no assertion criteria provided. Collection method: clinical testing. Allele origin: germline. Not counted in ClinVar's aggregate classification.
Comment: This variant is classified as benign based on ACMG/AMP sequence variant interpretation guidelines (Richards et al. 2015 PMID: 25741868, with internal and published modifications).